The following is an entry in ClinVar:

ClinVar aggregate classification (germline): Uncertain significance. Review status: criteria provided, multiple submitters, no conflicts (2 of 4 stars). 2 submissions from 2 submitters: Uncertain significance (2). Last evaluated 2022-05-10.

gnomAD v4.1: 3 of 1,613,964 alleles (0.00019%); highest among the groups gnomAD compares: Non-Finnish European, 0.00025%; no homozygotes.

Submissions (2):

Labcorp Genetics (formerly Invitae), Labcorp
Classification: Uncertain significance. Last evaluated: 2022-05-10. Review status: criteria provided, single submitter. Criteria: Invitae Variant Classification Sherloc (09022015). Collection method: clinical testing. Allele origin: germline.
Comment: This variant has not been reported in the literature in individuals affected with CNGB1-related conditions. In summary, the available evidence is currently insufficient to determine the role of this variant in disease. Therefore, it has been classified as a Variant of Uncertain Significance. Advanced modeling of protein sequence and biophysical properties (such as structural, functional, and spatial information, amino acid conservation, physicochemical variation, residue mobility, and thermodynamic stability) performed at Invitae indicates that this missense variant is expected to disrupt CNGB1 protein function. This variant is not present in population databases (gnomAD no frequency). This sequence change replaces glycine, which is neutral and non-polar, with arginine, which is basic and polar, at codon 756 of the CNGB1 protein (p.Gly756Arg).

Blueprint Genetics
Classification: Uncertain significance. Last evaluated: 2019-11-25. Review status: criteria provided, single submitter. Criteria: ACMG Guidelines, 2015. Collection method: clinical testing. Allele origin: germline.

NM_001297.5(CNGB1):c.2266G>C (p.Gly756Arg)

Gene: CNGB1 (cyclic nucleotide gated channel subunit beta 1; minus strand). Cytogenetic location: 16q21.
Variant type: single nucleotide variant.
Coding change: c.2266G>C on transcript NM_001297.5 (MANE Select); coding-DNA position 2266, G replaced by C.
Protein change: p.Gly756Arg; replaces glycine 756 with arginine.
Molecular consequence: missense variant.
Genome position (GRCh38, 1-based): chr16:57,915,287, C>G on the plus strand (G>C on the coding strand, the complement: CNGB1 is on the minus strand). VCF-style: chr16-57915287-C-G. GRCh37 (hg19) VCF-style: chr16-57949191-C-G.
Other names: c.2248G>C, p.Gly750Arg (NM_001286130.2); short protein forms G750R, G756R.
Identifiers: ClinVar variation 1992823 (VCV001992823.5), dbSNP rs398123605, ClinGen allele CA396062899.